The following is an entry in ClinVar:

NM_004006.3(DMD):c.7784T>G (p.Val2595Gly)

Gene: DMD (dystrophin; minus strand). Cytogenetic location: Xp21.1.
Variant type: single nucleotide variant.
Coding change: c.7784T>G on transcript NM_004006.3 (MANE Select); coding-DNA position 7784, T replaced by G.
Protein change: p.Val2595Gly; replaces valine 2595 with glycine.
Molecular consequence: missense variant.
Genome position (GRCh38, 1-based): chrX:31,679,463, A>C on the plus strand (T>G on the coding strand, the complement: DMD is on the minus strand). VCF-style: chrX-31679463-A-C. GRCh37 (hg19) VCF-style: chrX-31697580-A-C.
Other names: c.7760T>G, p.Val2587Gly (NM_000109.4); c.7772T>G, p.Val2591Gly (NM_004009.3); c.7415T>G, p.Val2472Gly (NM_004010.3); c.3761T>G, p.Val1254Gly (NM_004011.4); c.3752T>G, p.Val1251Gly (NM_004012.4); c.404T>G, p.Val135Gly (NM_004013.3, NM_004020.4, NM_004021.3 and 2 more transcripts); short protein forms V1251G, V1254G, V135G, V2472G, V2587G, V2591G, V2595G.
Identifiers: ClinVar variation 3772442 (VCV003772442.13).
Genomic context (GRCh38, chrX:31,679,463, plus strand): 5'-GCATCTACTGTATAGGGACCCTCCTTCCATGACTCAAGCTTGGCTCTGGCCTGTCCTAAG[A>C]CCTGCTCAGCTTCTTCCTTAGCTTCCAGCCATTGTGTTGAATCCTTTAACATTTCATTCA-3'
Protein context (NP_003997.2, residues 2585-2605): WLEAKEEAEQ[Val2595Gly]LGQARAKLES

ClinVar aggregate classification (germline): Uncertain significance (1 of 4 stars; one submission).

Submission:

CeGaT Center for Human Genetics Tuebingen
Classification: Uncertain significance. Last evaluated: 2025-02-01. Review status: criteria provided, single submitter. Criteria: CeGaT Center For Human Genetics Tuebingen Variant Classification Criteria Version 2. Collection method: clinical testing. Allele origin: germline. Affected: yes. Observed: 1 variant allele.
Comment: DMD: PM2, BP4